The following is an entry in ClinVar:

NM_032242.4(PLXNA1):c.5205C>T (p.Asp1735=)

Gene: PLXNA1 (plexin A1; plus strand). Cytogenetic location: 3q21.3.
Variant type: single nucleotide variant.
Coding change: c.5205C>T on transcript NM_032242.4 (MANE Select); coding-DNA position 5205, C replaced by T.
Protein change: p.Asp1735=; no amino-acid change (aspartic acid 1735 retained).
Molecular consequence: synonymous variant.
Genome position (GRCh38, 1-based): chr3:127,030,386, C>T. VCF-style: chr3-127030386-C-T. GRCh37 (hg19) VCF-style: chr3-126749229-C-T.
Identifiers: ClinVar variation 4977566 (VCV004977566.1).

ClinVar aggregate classification (germline): Likely benign (1 of 4 stars; one submission).

Conditions:
PLXNA1-related disorder. Also called: PLXNA1-related condition.

gnomAD v4.1: 62 of 1,613,828 alleles (0.0038%); highest among the groups gnomAD compares: African/African-American, 0.008%; no homozygotes.

Submission:

PreventionGenetics, part of Exact Sciences
Classification: Likely benign for PLXNA1-related condition. Last evaluated: 2026-03-17. Review status: criteria provided, single submitter. Criteria: ACMG Guidelines, 2015. Collection method: clinical testing. Allele origin: germline.
Comment: This variant is classified as likely benign based on ACMG/AMP sequence variant interpretation guidelines (Richards et al. 2015 PMID: 25741868, with internal and published modifications).